The following is an entry in ClinVar:

NM_003002.4(SDHD):c.232G>C (p.Gly78Arg)

Gene: SDHD (succinate dehydrogenase complex subunit D; plus strand). Cytogenetic location: 11q23.1.
Variant type: single nucleotide variant.
Coding change: c.232G>C on transcript NM_003002.4 (MANE Select); coding-DNA position 232, G replaced by C.
Protein change: p.Gly78Arg; replaces glycine 78 with arginine.
Molecular consequence: missense variant. On other transcripts: non-coding transcript variant (1), intron variant (1).
Genome position (GRCh38, 1-based): chr11:112,088,929, G>C. VCF-style: chr11-112088929-G-C. GRCh37 (hg19) VCF-style: chr11-111959653-G-C.
Other names: c.115G>C, p.Gly39Arg (NM_001276504.2); c.232G>C, p.Gly78Arg (NM_001276506.2); c.169+956G>C (NM_001276503.2); c.232G>C (NM_003002.2); short protein forms G39R, G78R.
Identifiers: ClinVar variation 655492 (VCV000655492.3), dbSNP rs1592780479, ClinGen allele CA382617278.

ClinVar aggregate classification (germline): Conflicting classifications of pathogenicity. Review status: criteria provided, conflicting classifications (1 of 4 stars). 3 submissions from 3 submitters: Likely pathogenic (2); Uncertain significance (1). Last evaluated 2025-10-21.

Conditions:
Hereditary cancer-predisposing syndrome. Also called: Neoplastic Syndromes, Hereditary; Hereditary neoplastic syndrome; Hereditary Cancer Syndrome; Tumor predisposition. Identifiers: Orphanet 140162, MedGen C0027672, MeSH D009386, MONDO:0015356.
Inherited phaeochromocytoma and paraganglioma excluding NF1.
Pheochromocytoma. Also called: MAX-Related Hereditary Paraganglioma-Pheochromocytoma Syndrome. Identifiers: Orphanet 29072, MedGen C0031511, MONDO:0008233, OMIM 171300, HP:0002666.
Carney-Stratakis syndrome. Also called: PARAGANGLIOMA AND GASTROINTESTINAL STROMAL TUMOR. Identifiers: Orphanet 97286, MedGen C1847319, MONDO:0011740, OMIM 606864.
Pheochromocytoma/paraganglioma syndrome 1. Also called: Paraganglioma - glomus jugulare; SDHD-Related Hereditary Paraganglioma-Pheochromocytoma Syndrome; PARAGANGLIOMAS, FAMILIAL NONCHROMAFFIN, 1; PGL 1; Paragangliomas familial 1; PARAGANGLIOMATA. Identifiers: Orphanet 29072, MedGen C3494181, MONDO:0008192, OMIM 168000.
Cowden syndrome 3 (CWS3). Identifiers: Orphanet 201, MedGen CN166604, MONDO:0014045.

Submissions (3):

NHS Central & South Genomic Laboratory Hub
Classification: Likely pathogenic for Inherited phaeochromocytoma and paraganglioma excluding NF1. Last evaluated: 2025-10-21. Review status: criteria provided, single submitter. Criteria: ACMG Guidelines, 2015. Collection method: clinical testing. Allele origin: germline. Affected: yes.

Ambry Genetics
Classification: Likely pathogenic for Hereditary cancer-predisposing syndrome. Last evaluated: 2024-03-04. Review status: criteria provided, single submitter. Criteria: Ambry Variant Classification Scheme 2023. Collection method: clinical testing. Allele origin: germline.
Comment: The p.G78R variant (also known as c.232G>C), located in coding exon 3 of the SDHD gene, results from a G to C substitution at nucleotide position 232. The glycine at codon 78 is replaced by arginine, an amino acid with dissimilar properties. This variant has been observed in at least one individual with a personal and/or family history that is consistent with SDHD-related paraganglioma-pheochromocytoma syndrome (Ambry internal data). This amino acid position is well conserved in available vertebrate species. In addition, this alteration is predicted to be deleterious by in silico analysis. This variant is considered to be rare based on population cohorts in the Genome Aggregation Database (gnomAD). Based on the majority of available evidence to date, this variant is likely to be pathogenic.

Labcorp Genetics (formerly Invitae), Labcorp
Classification: Uncertain significance for Paraganglioma and gastric stromal sarcoma; Paragangliomas 1; Pheochromocytoma; Cowden syndrome 3. Last evaluated: 2018-09-10. Review status: criteria provided, single submitter. Criteria: Invitae Variant Classification Sherloc (09022015). Collection method: clinical testing. Allele origin: germline.
Comment: This sequence change replaces glycine with arginine at codon 78 of the SDHD protein (p.Gly78Arg). The glycine residue is moderately conserved and there is a moderate physicochemical difference between glycine and arginine. This variant is not present in population databases (ExAC no frequency). This variant has not been reported in the literature in individuals with SDHD-related disease. Algorithms developed to predict the effect of missense changes on protein structure and function are either unavailable or do not agree on the potential impact of this missense change (SIFT: "Deleterious"; PolyPhen-2: "Probably Damaging"; Align-GVGD: "Class C15"). In summary, the available evidence is currently insufficient to determine the role of this variant in disease. Therefore, it has been classified as a Variant of Uncertain Significance.